The following is an entry in ClinVar:

NM_001205293.3(CACNA1E):c.532A>G (p.Thr178Ala)

Gene: CACNA1E (calcium voltage-gated channel subunit alpha1 E; plus strand). Cytogenetic location: 1q25.3.
Variant type: single nucleotide variant.
Coding change: c.532A>G on transcript NM_001205293.3 (MANE Select); coding-DNA position 532, A replaced by G.
Protein change: p.Thr178Ala; replaces threonine 178 with alanine.
Molecular consequence: missense variant.
Genome position (GRCh38, 1-based): chr1:181,577,785, A>G. VCF-style: chr1-181577785-A-G. GRCh37 (hg19) VCF-style: chr1-181546921-A-G.
Other names: c.532A>G, p.Thr178Ala (NM_000721.4, NM_001205294.2); short protein forms T178A.
Identifiers: ClinVar variation 3777377 (VCV003777377.1).

ClinVar aggregate classification (germline): Uncertain significance (1 of 4 stars; one submission).

Submission:

GeneDx
Classification: Uncertain significance. Last evaluated: 2024-10-14. Review status: criteria provided, single submitter. Criteria: GeneDx Variant Classification Process June 2021. Collection method: clinical testing. Allele origin: germline. Affected: yes.
Comment: Not observed at significant frequency in large population cohorts (gnomAD); In silico analysis supports that this missense variant has a deleterious effect on protein structure/function; Has not been previously published as pathogenic or benign to our knowledge